The following is an entry in ClinVar:

ClinVar aggregate classification (germline): Uncertain significance. Review status: criteria provided, multiple submitters, no conflicts (2 of 4 stars). 5 submissions from 5 submitters: Uncertain significance (4). 1 of the submissions does not count toward it. Last evaluated 2024-11-05.

Conditions:
INPP5E-related disorder. Also called: INPP5E-related condition.
Inborn genetic diseases. Identifiers: MedGen C0950123, MeSH D030342.
Joubert syndrome. Also called: CEREBELLOPARENCHYMAL DISORDER IV; JOUBERT-BOLTSHAUSER SYNDROME; Familial aplasia of the vermis. Identifiers: Orphanet 475, MedGen C5979921, MONDO:0018772.

Allele frequency attached by ClinVar (database versions not stated): TOPMed 0.00003; gnomAD 0.00004; gnomAD exomes 0.00004; ESP Exome Variant Server 0.00008; ExAC 0.00009.
gnomAD v4.1: 46 of 1,611,202 alleles (0.0029%); highest among the groups gnomAD compares: Middle Eastern, 0.033%; no homozygotes.

Submissions (5):

Labcorp Genetics (formerly Invitae), Labcorp
Classification: Uncertain significance for Joubert syndrome. Last evaluated: 2024-11-05. Review status: criteria provided, single submitter. Criteria: Invitae Variant Classification Sherloc (09022015). Collection method: clinical testing. Allele origin: germline.
Comment: This sequence change replaces serine, which is neutral and polar, with threonine, which is neutral and polar, at codon 198 of the INPP5E protein (p.Ser198Thr). This variant is present in population databases (rs141286608, gnomAD 0.007%). This variant has not been reported in the literature in individuals affected with INPP5E-related conditions. ClinVar contains an entry for this variant (Variation ID: 844001). Invitae Evidence Modeling of protein sequence and biophysical properties (such as structural, functional, and spatial information, amino acid conservation, physicochemical variation, residue mobility, and thermodynamic stability) indicates that this missense variant is not expected to disrupt INPP5E protein function with a negative predictive value of 95%. In summary, the available evidence is currently insufficient to determine the role of this variant in disease. Therefore, it has been classified as a Variant of Uncertain Significance.

GeneDx
Classification: Uncertain significance. Last evaluated: 2024-07-02. Review status: criteria provided, single submitter. Criteria: GeneDx Variant Classification Process June 2021. Collection method: clinical testing. Allele origin: germline. Affected: yes.
Comment: In silico analysis indicates that this missense variant does not alter protein structure/function; Has not been previously published as pathogenic or benign to our knowledge

Ambry Genetics
Classification: Uncertain significance for Inborn genetic diseases. Last evaluated: 2021-07-27. Review status: criteria provided, single submitter. Criteria: Ambry Variant Classification Scheme 2023. Collection method: clinical testing. Allele origin: germline.

Revvity Omics, Revvity
Classification: Uncertain significance. Last evaluated: 2020-03-02. Review status: criteria provided, single submitter. Criteria: ACMG Guidelines, 2015. Collection method: clinical testing. Allele origin: germline.

PreventionGenetics, part of Exact Sciences
Classification: Uncertain significance for INPP5E-related condition. Last evaluated: 2024-09-11. Review status: no assertion criteria provided. Collection method: clinical testing. Allele origin: germline. Not counted in ClinVar's aggregate classification.
Comment: The INPP5E c.593G>C variant is predicted to result in the amino acid substitution p.Ser198Thr. To our knowledge, this variant has not been reported in the literature. This variant is reported in 0.0066% of alleles in individuals of European (Non-Finnish) descent in gnomAD. At this time, the clinical significance of this variant is uncertain due to the absence of conclusive functional and genetic evidence.

NM_019892.6(INPP5E):c.593G>C (p.Ser198Thr)

Gene: INPP5E (inositol polyphosphate-5-phosphatase E; minus strand). Cytogenetic location: 9q34.3.
Variant type: single nucleotide variant.
Coding change: c.593G>C on transcript NM_019892.6 (MANE Select); coding-DNA position 593, G replaced by C.
Protein change: p.Ser198Thr; replaces serine 198 with threonine.
Molecular consequence: missense variant.
Genome position (GRCh38, 1-based): chr9:136,438,827, C>G on the plus strand (G>C on the coding strand, the complement: INPP5E is on the minus strand). VCF-style: chr9-136438827-C-G. GRCh37 (hg19) VCF-style: chr9-139333279-C-G.
Other names: c.593G>C (NM_019892.5); c.593G>C, p.Ser198Thr (NM_001318502.2); short protein forms S198T.
Identifiers: ClinVar variation 844001 (VCV000844001.14), dbSNP rs141286608, ClinGen allele CA5337126.